The following is an entry in ClinVar:

NM_004994.3(MMP9):c.1721G>T (p.Arg574Leu)

Genes: MMP9 (matrix metallopeptidase 9; plus strand), SLC12A5-AS1 (SLC12A5 and MMP9 antisense RNA 1; minus strand). Cytogenetic location: 20q13.12.
Variant type: single nucleotide variant.
Coding change: c.1721G>T on transcript NM_004994.3 (MANE Select); coding-DNA position 1721, G replaced by T.
Protein change: p.Arg574Leu; replaces arginine 574 with leucine.
Molecular consequence: missense variant. On other transcripts: non-coding transcript variant (1).
Genome position (GRCh38, 1-based): chr20:46,013,767, G>T. VCF-style: chr20-46013767-G-T. GRCh37 (hg19) VCF-style: chr20-44642406-G-T.
Other names: short protein forms R574L.
Identifiers: ClinVar variation 2984061 (VCV002984061.3), dbSNP rs2250889, ClinGen allele CA9886814.
Genomic context (GRCh38, chr20:46,013,767, plus strand): 5'-TCCTTATCGCCGACAAGTGGCCCGCGCTGCCCCGCAAGCTGGACTCGGTCTTTGAGGAGC[G>T]GCTCTCCAAGAAGCTTTTCTTCTTCTCTGGTTAGTTACCTACTTTCCCTCCCCCGCCCGG-3'
Protein context (NP_004985.2, residues 564-584): PRKLDSVFEE[Arg574Leu]LSKKLFFFSG

ClinVar aggregate classification (germline): Uncertain significance (1 of 4 stars; one submission).

gnomAD v4.1: 57 of 1,613,166 alleles (0.0035%); highest among the groups gnomAD compares: Non-Finnish European, 0.004%; no homozygotes.

Submission:

Labcorp Genetics (formerly Invitae), Labcorp
Classification: Uncertain significance. Last evaluated: 2024-08-14. Review status: criteria provided, single submitter. Criteria: Invitae Variant Classification Sherloc (09022015). Collection method: clinical testing. Allele origin: germline.
Comment: This sequence change replaces arginine, which is basic and polar, with leucine, which is neutral and non-polar, at codon 574 of the MMP9 protein (p.Arg574Leu). This variant is present in population databases (rs2250889, gnomAD 0.01%). This missense change has been observed in individual(s) with metaphyseal anadysplasia (PMID: 31909567). Invitae Evidence Modeling of protein sequence and biophysical properties (such as structural, functional, and spatial information, amino acid conservation, physicochemical variation, residue mobility, and thermodynamic stability) indicates that this missense variant is not expected to disrupt MMP9 protein function with a negative predictive value of 80%. In summary, the available evidence is currently insufficient to determine the role of this variant in disease. Therefore, it has been classified as a Variant of Uncertain Significance.

Literature cited by the submitters: PubMed 31909567.